The following is an entry in ClinVar:

ClinVar aggregate classification (germline): Uncertain significance (1 of 4 stars; one submission).

Submission:

GeneDx
Classification: Uncertain significance. Last evaluated: 2023-05-02. Review status: criteria provided, single submitter. Criteria: GeneDx Variant Classification Process June 2021. Collection method: clinical testing. Allele origin: germline. Affected: yes.
Comment: Not observed at significant frequency in large population cohorts (gnomAD); In silico analysis supports that this missense variant has a deleterious effect on protein structure/function; Has not been previously published as pathogenic or benign to our knowledge

NM_020822.3(KCNT1):c.3070C>A (p.Arg1024Ser)

Gene: KCNT1 (potassium sodium-activated channel subfamily T member 1; plus strand). Cytogenetic location: 9q34.3.
Variant type: single nucleotide variant.
Coding change: c.3070C>A on transcript NM_020822.3 (MANE Select); coding-DNA position 3070, C replaced by A.
Protein change: p.Arg1024Ser; replaces arginine 1024 with serine.
Molecular consequence: missense variant.
Genome position (GRCh38, 1-based): chr9:135,784,803, C>A. VCF-style: chr9-135784803-C-A. GRCh37 (hg19) VCF-style: chr9-138676649-C-A.
Other names: c.2935C>A, p.Arg979Ser (NM_001272003.2); short protein forms R1024S, R979S.
Identifiers: ClinVar variation 3343219 (VCV003343219.1).
Genomic context (GRCh38, chr9:135,784,803, plus strand): 5'-AGGGTTCCCACCCTGCAGATGAAAATCACCGAGGGCGACCTGTGGATCCGCACGTACGGC[C>A]GCCTCTTCCAGAAGCTCTGCTCCTCCAGCGCCGAGATCCCCATTGGCATCTACCGGACAG-3'
Protein context (NP_065873.2, residues 1014-1034): EGDLWIRTYG[Arg1024Ser]LFQKLCSSSA